The following is an entry in ClinVar:

NM_024496.4(IRF2BPL):c.240_243del (p.Val81fs)

Genes: IRF2BPL (interferon regulatory factor 2 binding protein like; minus strand), LOC107984638 (uncharacterized LOC107984638; plus strand). Cytogenetic location: 14q24.3.
Variant type: Deletion.
Coding change: c.240_243del on transcript NM_024496.4 (MANE Select); coding-DNA positions 240 to 243, 4 bases deleted (AGTG; older notation c.240_243delAGTG).
Protein change: p.Val81fs; shifts the reading frame from valine 81.
Molecular consequence: frameshift variant.
Genome position (GRCh38, 1-based): chr14:77,027,550-77,027,553, CACT deleted on the plus strand (AGTG on the coding strand, the reverse complement: IRF2BPL is on the minus strand). VCF-style (leftmost placement, unchanged base first): chr14-77027549-CCACT-C. GRCh37 (hg19) VCF-style: chr14-77493892-CCACT-C.
Other names: short protein forms V81fs.
Identifiers: ClinVar variation 986391 (VCV000986391.1), dbSNP rs1885190050, ClinGen allele CA915940832.

ClinVar aggregate classification (germline): Likely pathogenic (1 of 4 stars; one submission).

Conditions:
Neurodevelopmental disorder with regression, abnormal movements, loss of speech, and seizures. Identifiers: Orphanet 597623, MedGen C4748127, MONDO:0060759, OMIM 618088.

Submission:

Broad Center for Mendelian Genomics, Broad Institute of MIT and Harvard
Classification: Likely pathogenic for Neurodevelopmental disorder with regression, abnormal movements, loss of speech, and seizures. Last evaluated: 2020-11-16. Review status: criteria provided, single submitter. Criteria: ACMG Guidelines, 2015. Collection method: curation. Allele origin: germline. Inheritance: Autosomal dominant inheritance.
Comment: Trio genome analysis showed this variant to be de novo. The variant has not been previously reported in individuals with neurodevelopmental disorder with regression, abnormal movements, loss of speech, and seizures, and was absent from large population studies. This variant is predicted to cause a frameshift, which alters the proteinâ€™s amino acid sequence beginning at position 81 and leads to a premature termination codon 70 amino acids downstream. This gene is a single exon gene and is more likely to escape nonsense mediated decay (NMD) and result in a truncated protein. While there is some evidence to suggest that heterozygous loss of function of the IRF2BPL gene is a disease mechanism in neurodevelopmental disorder with regression, abnormal movements, loss of speech, and seizures, this association is not yet strongly established based on the criteria laid out in Tayoun, 2018 (PMID: 30192042). In summary, although additional studies are required to fully establish its clinical significance, this variant is likely pathogenic. ACMG/AMP Criteria applied: PM2, PVS1_supporting, PS2 (Richards 2015).